The following is an entry in ClinVar:

ClinVar aggregate classification (germline): Uncertain significance. Review status: criteria provided, multiple submitters, no conflicts (2 of 4 stars). 2 submissions from 2 submitters: Uncertain significance (2). Last evaluated 2023-05-18.

Conditions:
Deficiency of butyryl-CoA dehydrogenase (ACADSD). Also called: SCAD DEFICIENCY, MILD; SCADH DEFICIENCY; SCAD Deficiency; ACYL-CoA DEHYDROGENASE, SHORT-CHAIN, DEFICIENCY OF; ACADS DEFICIENCY; Short-Chain Acyl-CoA Dehydrogenase Deficiency. Identifiers: Orphanet 26792, MedGen C0342783, MONDO:0008722, OMIM 201470. Disease mechanism: May be benign.

Allele frequency attached by ClinVar (database versions not stated): TOPMed 0.00001.

Submissions (2):

Women's Health and Genetics/Laboratory Corporation of America, LabCorp
Classification: Uncertain significance. Last evaluated: 2023-05-18. Review status: criteria provided, single submitter. Criteria: LabCorp Variant Classification Summary - May 2015. Collection method: clinical testing. Allele origin: germline.
Comment: Variant summary: ACADS c.508G>A (p.Ala170Thr) results in a non-conservative amino acid change located in the Acyl-CoA oxidase/dehydrogenase, middle domain (IPR006091) of the encoded protein sequence. Five of five in-silico tools predict a damaging effect of the variant on protein function. The variant allele was found at a frequency of 4e-06 in 251006 control chromosomes (gnomAD). The available data on variant occurrences in the general population are insufficient to allow any conclusion about variant significance. c.508G>A has been reported in the literature in individuals affected with Short-chain acyl-CoA dehydrogenase deficiency without strong evidence of causality (Adhikari_2020). This report does not provide unequivocal conclusions about association of the variant with Deficiency Of Butyryl-CoA Dehydrogenase. To our knowledge, no experimental evidence demonstrating an impact on protein function has been reported. The following publication has been ascertained in the context of this evaluation (PMID: 32802992). One clinical diagnostic laboratory has submitted a clinical-significance assessment for this variant to ClinVar after 2014, and classified the variant as uncertain significance. Based on the evidence outlined above, the variant was classified as uncertain significance.

Labcorp Genetics (formerly Invitae), Labcorp
Classification: Uncertain significance for Deficiency of butyryl-CoA dehydrogenase. Last evaluated: 2021-08-12. Review status: criteria provided, single submitter. Criteria: Invitae Variant Classification Sherloc (09022015). Collection method: clinical testing. Allele origin: germline.
Comment: This sequence change replaces alanine with threonine at codon 170 of the ACADS protein (p.Ala170Thr). The alanine residue is highly conserved and there is a small physicochemical difference between alanine and threonine. This variant is present in population databases (rs765604622, ExAC 0.002%). This missense change has been observed in individual(s) with clinical features of ACADS-related conditions (Invitae). Algorithms developed to predict the effect of missense changes on protein structure and function (SIFT, PolyPhen-2, Align-GVGD) all suggest that this variant is likely to be disruptive. In summary, the available evidence is currently insufficient to determine the role of this variant in disease. Therefore, it has been classified as a Variant of Uncertain Significance.

Literature cited by the submitters: PubMed 32802992 (cited by Women's Health and Genetics/Laboratory Corporation of America, LabCorp).

NM_000017.4(ACADS):c.508G>A (p.Ala170Thr)

Gene: ACADS (acyl-CoA dehydrogenase short chain; plus strand). Cytogenetic location: 12q24.31.
Variant type: single nucleotide variant.
Coding change: c.508G>A on transcript NM_000017.4 (MANE Select); coding-DNA position 508, G replaced by A.
Protein change: p.Ala170Thr; replaces alanine 170 with threonine.
Molecular consequence: missense variant. On other transcripts: intron variant (1).
Genome position (GRCh38, 1-based): chr12:120,737,872, G>A. VCF-style: chr12-120737872-G-A. GRCh37 (hg19) VCF-style: chr12-121175675-G-A.
Other names: c.473-177G>A (NM_001302554.2); short protein forms A170T.
Identifiers: ClinVar variation 654561 (VCV000654561.6), dbSNP rs765604622, ClinGen allele CA6830923.